The following is an entry in ClinVar:

NM_001035.3(RYR2):c.4378G>C (p.Asp1460His)

Gene: RYR2 (ryanodine receptor 2; plus strand). Cytogenetic location: 1q43.
Variant type: single nucleotide variant.
Coding change: c.4378G>C on transcript NM_001035.3 (MANE Select); coding-DNA position 4378, G replaced by C.
Protein change: p.Asp1460His; replaces aspartic acid 1460 with histidine.
Molecular consequence: missense variant.
Genome position (GRCh38, 1-based): chr1:237,593,578, G>C. VCF-style: chr1-237593578-G-C. GRCh37 (hg19) VCF-style: chr1-237756878-G-C.
Other names: short protein forms D1460H.
Identifiers: ClinVar variation 2166785 (VCV002166785.5), dbSNP rs1675475755, ClinGen allele CA345399903.
Genomic context (GRCh38, chr1:237,593,578, plus strand): 5'-AATGTCTGGGTGGGCTGGATTACATCAGATTTCCATCAGTATGACACAGGCTTTGACTTG[G>C]ACAGAGTTCGCACAGTAACAGTTACTCTAGGAGATGAAAAAGGAAAAGTGCATGAAAGGT-3'
Protein context (NP_001026.2, residues 1450-1470): FHQYDTGFDL[Asp1460His]RVRTVTVTLG

ClinVar aggregate classification (germline): Uncertain significance. Review status: criteria provided, multiple submitters, no conflicts (2 of 4 stars). 2 submissions from 2 submitters: Uncertain significance (2). Last evaluated 2023-11-24.

Conditions:
Catecholaminergic polymorphic ventricular tachycardia 1. Also called: VENTRICULAR TACHYCARDIA, STRESS-INDUCED POLYMORPHIC 1; RYR2-Related Catecholaminergic Polymorphic Ventricular Tachycardia; VENTRICULAR TACHYCARDIA, CATECHOLAMINERGIC POLYMORPHIC, 1, WITH OR WITHOUT ATRIAL DYSFUNCTION AND/OR DILATED CARDIOMYOPATHY. Identifiers: Orphanet 3286, MedGen C1631597, MONDO:0011484, OMIM 604772.
Catecholaminergic polymorphic ventricular tachycardia (CVPT). Also called: Catecholamine-induced polymorphic ventricular tachycardia. Identifiers: Orphanet 3286, MedGen C5574922, MONDO:0017990.

Submissions (2):

Labcorp Genetics (formerly Invitae), Labcorp
Classification: Uncertain significance for Catecholaminergic polymorphic ventricular tachycardia 1. Last evaluated: 2023-11-24. Review status: criteria provided, single submitter. Criteria: Invitae Variant Classification Sherloc (09022015). Collection method: clinical testing. Allele origin: germline.
Comment: This sequence change replaces aspartic acid, which is acidic and polar, with histidine, which is basic and polar, at codon 1460 of the RYR2 protein (p.Asp1460His). This variant is not present in population databases (gnomAD no frequency). This variant has not been reported in the literature in individuals affected with RYR2-related conditions. ClinVar contains an entry for this variant (Variation ID: 2166785). Advanced modeling of protein sequence and biophysical properties (such as structural, functional, and spatial information, amino acid conservation, physicochemical variation, residue mobility, and thermodynamic stability) performed at Invitae indicates that this missense variant is not expected to disrupt RYR2 protein function with a negative predictive value of 95%. In summary, the available evidence is currently insufficient to determine the role of this variant in disease. Therefore, it has been classified as a Variant of Uncertain Significance.

All of Us Research Program, National Institutes of Health
Classification: Uncertain significance for Catecholaminergic polymorphic ventricular tachycardia. Last evaluated: 2023-08-15. Review status: criteria provided, single submitter. Criteria: ACMG Guidelines, 2015. Collection method: clinical testing. Allele origin: germline. Inheritance: Autosomal dominant inheritance. Observed: 1 variant allele, 1 heterozygote.
Comment: This missense variant replaces aspartic acid with histidine at codon 1460 of the RYR2 protein. Computational prediction suggests that this variant may not impact protein structure and function (internally defined REVEL score threshold <= 0.5, PMID: 27666373). To our knowledge, functional studies have not been reported for this variant. This variant has not been reported in individuals affected with RYR2-related disorders in the literature. This variant has not been identified in the general population by the Genome Aggregation Database (gnomAD). The available evidence is insufficient to determine the role of this variant in disease conclusively. Therefore, this variant is classified as a Variant of Uncertain Significance.

This study involves interpretation of variants in research participants for the purpose of population health screening. Participant phenotype was not available at the time of variant classification. Additional details can be found in publication PMID: 35346344, PMCID: PMC8962531